The following is an entry in ClinVar:

ClinVar aggregate classification (germline): Uncertain significance (1 of 4 stars; one submission).

Conditions:
Hereditary cancer-predisposing syndrome. Also called: Hereditary neoplastic syndrome; Neoplastic Syndromes, Hereditary; Tumor predisposition; Hereditary Cancer Syndrome. Identifiers: Orphanet 140162, MedGen C0027672, MeSH D009386, MONDO:0015356.

Submission:

Ambry Genetics
Classification: Uncertain significance for Hereditary cancer-predisposing syndrome. Last evaluated: 2024-12-19. Review status: criteria provided, single submitter. Criteria: Ambry Variant Classification Scheme 2023. Collection method: clinical testing. Allele origin: germline.
Comment: The p.H2395Q variant (also known as c.7185C>G), located in coding exon 13 of the BRCA2 gene, results from a C to G substitution at nucleotide position 7185. The histidine at codon 2395 is replaced by glutamine, an amino acid with highly similar properties. This amino acid position is not well conserved in available vertebrate species. In addition, this alteration is predicted to be tolerated by in silico analysis. Based on the available evidence, the clinical significance of this variant remains unclear.

NM_000059.4(BRCA2):c.7185C>G (p.His2395Gln)

Gene: BRCA2 (BRCA2 DNA repair associated; plus strand). Cytogenetic location: 13q13.1.
Variant type: single nucleotide variant.
Coding change: c.7185C>G on transcript NM_000059.4 (MANE Select); coding-DNA position 7185, C replaced by G.
Protein change: p.His2395Gln; replaces histidine 2395 with glutamine.
Molecular consequence: missense variant. On other transcripts: non-coding transcript variant (1).
Genome position (GRCh38, 1-based): chr13:32,355,038, C>G. VCF-style: chr13-32355038-C-G. GRCh37 (hg19) VCF-style: chr13-32929175-C-G.
Other names: c.7089C>G, p.His2363Gln (NM_001406719.1); c.7185C>G, p.His2395Gln (NM_001406720.1, NM_001432077.1); c.2253C>G, p.His751Gln (NM_001406721.1); c.768C>G, p.His256Gln (NM_001406722.1); short protein forms H256Q, H2395Q, H751Q, H2363Q.
Identifiers: ClinVar variation 3825387 (VCV003825387.1).
Genomic context (GRCh38, chr13:32,355,038, plus strand): 5'-AGCAGTTTCAGGACATCCATTTTATCAAGTTTCTGCTACAAGAAATGAAAAAATGAGACA[C>G]TTGATTACTACAGGCAGACCAACCAAAGTCTTTGTTCCACCTTTTAAAACTAAATCACAT-3'
Protein context (NP_000050.3, residues 2385-2405): VSATRNEKMR[His2395Gln]LITTGRPTKV